The following is an entry in ClinVar:

ClinVar aggregate classification (germline): Uncertain significance (1 of 4 stars; one submission).

Submission:

Labcorp Genetics (formerly Invitae), Labcorp
Classification: Uncertain significance. Last evaluated: 2024-11-07. Review status: criteria provided, single submitter. Criteria: Invitae Variant Classification Sherloc (09022015). Collection method: clinical testing. Allele origin: germline.
Comment: This sequence change creates a premature translational stop signal (p.Glu225Asnfs*13) in the NLRP1 gene. It is expected to result in an absent or disrupted protein product. However, the current clinical and genetic evidence is not sufficient to establish whether loss-of-function variants in NLRP1 cause disease. The frequency data for this variant in the population databases is considered unreliable, as metrics indicate poor data quality at this position in the gnomAD database. This variant has not been reported in the literature in individuals affected with NLRP1-related conditions. In summary, the available evidence is currently insufficient to determine the role of this variant in disease. Therefore, it has been classified as a Variant of Uncertain Significance.

NM_033004.4(NLRP1):c.673_676del (p.Glu225fs)

Gene: NLRP1 (NLR family pyrin domain containing 1; minus strand). Cytogenetic location: 17p13.2.
Variant type: Microsatellite.
Coding change: c.673_676del on transcript NM_033004.4 (MANE Select); coding-DNA positions 673 to 676, 4 bases deleted (GAGA; older notation c.673_676delGAGA).
Protein change: p.Glu225fs; shifts the reading frame from glutamic acid 225.
Molecular consequence: frameshift variant.
Genome position (GRCh38, 1-based): chr17:5,560,020-5,560,023, TCTC deleted on the plus strand (GAGA on the coding strand, the reverse complement: NLRP1 is on the minus strand); deleting any 4 consecutive bases within chr17:5,560,020-5,560,032 gives the same sequence; the c. name uses the placement nearest the transcript's 3' end. VCF-style (leftmost placement, unchanged base first): chr17-5560019-TTCTC-T. GRCh37 (hg19) VCF-style: chr17-5463339-TTCTC-T.
Other names: c.673_676del, p.Glu225fs (NM_001033053.3, NM_014922.5, NM_033006.4 and 1 more transcripts); short protein forms E225fs.
Identifiers: ClinVar variation 2192429 (VCV002192429.4), dbSNP rs757080294, ClinGen allele CA8327513.